The following is an entry in ClinVar:

NM_002049.4(GATA1):c.185_186insGGTGGCTGCAGCTGCGGCACTGGCCTA (p.Tyr62Ter)

Gene: GATA1 (GATA binding protein 1; plus strand). Cytogenetic location: Xp11.23.
Variant type: Insertion.
Coding change: c.185_186insGGTGGCTGCAGCTGCGGCACTGGCCTA on transcript NM_002049.4 (MANE Select); coding-DNA positions 185 to 186, GGTGGCTGCAGCTGCGGCACTGGCCTA inserted.
Protein change: p.Tyr62Ter; replaces tyrosine 62 with a stop codon.
Molecular consequence: nonsense.
Genome position: GRCh38 VCF-style: chrX-48791271-C-CGCTGCAGCTGCGGCACTGGCCTAGGTG. GRCh37 (hg19) VCF-style: chrX-48649678-C-CGCTGCAGCTGCGGCACTGGCCTAGGTG.
Other names: short protein forms Y62*.
Identifiers: ClinVar variation 3754317 (VCV003754317.2).

ClinVar aggregate classification (germline): Pathogenic (1 of 4 stars; one submission).

Conditions:
GATA binding protein 1 related thrombocytopenia with dyserythropoiesis. Also called: GATA1-Related X-Linked Cytopenia; GATA1-Related Cytopenia. Identifiers: MedGen C1845837, MONDO:0100089.
Diamond-Blackfan anemia. Also called: Blackfan Diamond syndrome; Aregenerative anemia chronic congenital; Red cell aplasia, pure hereditary; Congenital hypoplastic anemia; Aase syndrome. Identifiers: Orphanet 124, MedGen C1260899, MeSH D029503, MONDO:0015253, HP:0004810.

Submission:

Labcorp Genetics (formerly Invitae), Labcorp
Classification: Pathogenic for GATA binding protein 1 related thrombocytopenia with dyserythropoiesis; Diamond-Blackfan anemia. Last evaluated: 2024-02-01. Review status: criteria provided, single submitter. Criteria: Invitae Variant Classification Sherloc (09022015). Collection method: clinical testing. Allele origin: germline.
Comment: This sequence change creates a premature translational stop signal (p.Tyr62*) in the GATA1 gene. It is expected to result in an absent or disrupted protein product. Loss-of-function variants in GATA1 are known to be pathogenic (PMID: 16783379, 22706301, 23704091, 24453067). This variant is not present in population databases (gnomAD no frequency). This variant has not been reported in the literature in individuals affected with GATA1-related conditions. For these reasons, this variant has been classified as Pathogenic.

Literature cited by the submitters: PubMed 16783379; PubMed 22706301; PubMed 23704091; PubMed 24453067.